The following is an entry in ClinVar:

ClinVar aggregate classification (germline): Uncertain significance (1 of 4 stars; one submission).

Conditions:
Cardiovascular phenotype. Identifiers: MedGen CN230736.

Submission:

Ambry Genetics
Classification: Uncertain significance for Cardiovascular phenotype. Last evaluated: 2020-11-23. Review status: criteria provided, single submitter. Criteria: Ambry Variant Classification Scheme 2023. Collection method: clinical testing. Allele origin: germline.
Comment: The p.L262P variant (also known as c.785T>C), located in coding exon 8 of the ANKRD1 gene, results from a T to C substitution at nucleotide position 785. The leucine at codon 262 is replaced by proline, an amino acid with similar properties. This amino acid position is well conserved in available vertebrate species. In addition, the in silico prediction for this alteration is inconclusive. Since supporting evidence is limited at this time, the clinical significance of this alteration remains unclear.

NM_014391.3(ANKRD1):c.785T>C (p.Leu262Pro)

Gene: ANKRD1 (ankyrin repeat domain 1; minus strand). Cytogenetic location: 10q23.31.
Variant type: single nucleotide variant.
Coding change: c.785T>C on transcript NM_014391.3 (MANE Select); coding-DNA position 785, T replaced by C.
Protein change: p.Leu262Pro; replaces leucine 262 with proline.
Molecular consequence: missense variant.
Genome position (GRCh38, 1-based): chr10:90,915,607, A>G on the plus strand (T>C on the coding strand, the complement: ANKRD1 is on the minus strand). VCF-style: chr10-90915607-A-G. GRCh37 (hg19) VCF-style: chr10-92675364-A-G.
Other names: short protein forms L262P.
Identifiers: ClinVar variation 1760919 (VCV001760919.2), dbSNP rs760234190, ClinGen allele CA377549718.